The following is an entry in ClinVar:

ClinVar aggregate classification (germline): Uncertain significance (1 of 4 stars; one submission).

gnomAD v4.1: 5 of 1,614,260 alleles (0.00031%); highest among the groups gnomAD compares: Non-Finnish European, 0.00042%; no homozygotes.

Submission:

Mayo Clinic Laboratories, Mayo Clinic
Classification: Uncertain significance. Last evaluated: 2024-06-14. Review status: criteria provided, single submitter. Criteria: ACMG Guidelines, 2015. Collection method: clinical testing. Allele origin: germline. Observed: 1 variant allele.
Comment: BP4, PM2

NM_006796.3(AFG3L2):c.842C>T (p.Thr281Ile)

Gene: AFG3L2 (AFG3 like matrix AAA peptidase subunit 2; minus strand). Cytogenetic location: 18p11.21.
Variant type: single nucleotide variant.
Coding change: c.842C>T on transcript NM_006796.3 (MANE Select); coding-DNA position 842, C replaced by T.
Protein change: p.Thr281Ile; replaces threonine 281 with isoleucine.
Molecular consequence: missense variant.
Genome position (GRCh38, 1-based): chr18:12,358,854, G>A on the plus strand (C>T on the coding strand, the complement: AFG3L2 is on the minus strand). VCF-style: chr18-12358854-G-A. GRCh37 (hg19) VCF-style: chr18-12358853-G-A.
Other names: p.Thr281Ile; short protein forms T281I.
Identifiers: ClinVar variation 3380542 (VCV003380542.1).